The following is an entry in ClinVar:

ClinVar aggregate classification (germline): Uncertain significance (1 of 4 stars; one submission).

Submission:

GeneDx
Classification: Uncertain significance. Last evaluated: 2025-01-10. Review status: criteria provided, single submitter. Criteria: GeneDx Variant Classification Process June 2021. Collection method: clinical testing. Allele origin: germline. Affected: yes.
Comment: Not observed at significant frequency in large population cohorts (gnomAD); In silico analysis supports that this missense variant has a deleterious effect on protein structure/function; Has not been previously published as pathogenic or benign to our knowledge

NM_025215.6(PUS1):c.974T>C (p.Val325Ala)

Gene: PUS1 (pseudouridine synthase 1; plus strand). Cytogenetic location: 12q24.33.
Variant type: single nucleotide variant.
Coding change: c.974T>C on transcript NM_025215.6 (MANE Select); coding-DNA position 974, T replaced by C.
Protein change: p.Val325Ala; replaces valine 325 with alanine.
Molecular consequence: missense variant.
Genome position (GRCh38, 1-based): chr12:131,941,721, T>C. VCF-style: chr12-131941721-T-C. GRCh37 (hg19) VCF-style: chr12-132426266-T-C.
Other names: c.890T>C, p.Val297Ala (NM_001002019.3, NM_001002020.3); short protein forms V297A, V325A.
Identifiers: ClinVar variation 4057034 (VCV004057034.1).